The following is an entry in ClinVar:

ClinVar aggregate classification (germline): Conflicting classifications of pathogenicity. Review status: criteria provided, conflicting classifications (1 of 4 stars). 22 submissions from 18 submitters: Uncertain significance (3); Benign (7); Likely benign (6). 6 of the submissions do not count toward it. Last evaluated 2026-07-01.

Conditions:
Cardiovascular phenotype. Identifiers: MedGen CN230736.
Dilated cardiomyopathy 1G (CMD1G). Identifiers: Orphanet 154, MedGen C1858763, MONDO:0011400, OMIM 604145.
Autosomal recessive limb-girdle muscular dystrophy type 2J (LGMDR10). Also called: Limb-girdle muscular dystrophy, type 2J; MUSCULAR DYSTROPHY, LIMB-GIRDLE, AUTOSOMAL RECESSIVE 10. Identifiers: Orphanet 140922, MedGen C1837342, MONDO:0012127, OMIM 608807.
Cardiomyopathy (CMYO). Also called: Cardiomyopathies. Identifiers: Orphanet 167848, MedGen C0878544, MONDO:0004994, HP:0001638. Inheritance: Various modes of inheritance.
Early-onset myopathy with fatal cardiomyopathy (CMYO5). Also called: Salih Myopathy; CONGENITAL MYOPATHY 5 WITH CARDIOMYOPATHY. Identifiers: Orphanet 289377, MedGen C2673677, MONDO:0012714, OMIM 611705. Disease mechanism: loss of function.
Myopathy, myofibrillar, 9, with early respiratory failure (MFM9). Also called: Hereditary myopathy with early respiratory failure; Myopathy, distal, with early respiratory failure, autosomal dominant; EDSTROM MYOPATHY; MYOPATHY, PROXIMAL, WITH EARLY RESPIRATORY MUSCLE INVOLVEMENT. Identifiers: Orphanet 178464, Orphanet 34521, MedGen C1863599, MONDO:0011362, OMIM 603689.
Tibial muscular dystrophy (TMD). Also called: Udd Distal Myopathy – Tibial Muscular Dystrophy; Tibial muscular dystrophy, tardive; UDD MYOPATHY. Identifiers: Orphanet 609, MedGen C1838244, MONDO:0010870, OMIM 600334.

Allele frequency attached by ClinVar (database versions not stated): 1000 Genomes Project 30x 0.00016; 1000 Genomes Project 0.00020; gnomAD exomes 0.00081 and 0.00103; ESP Exome Variant Server 0.00085; gnomAD 0.00094 and 0.00189; ExAC 0.00103; TOPMed 0.00178.
gnomAD v4.1: 1,455 of 1,614,162 alleles (0.09%); highest among the groups gnomAD compares: Non-Finnish European, 0.081%; 15 homozygotes.

Submissions (22):

CeGaT Center for Human Genetics Tuebingen
Classification: Likely benign. Last evaluated: 2026-07-01. Review status: criteria provided, single submitter. Criteria: CeGaT Center For Human Genetics Tuebingen Variant Classification Criteria Version 2. Collection method: clinical testing. Allele origin: germline. Affected: yes. Observed: 5 variant alleles.
Comment: TTN: BP4, BP7

Labcorp Genetics (formerly Invitae), Labcorp
Classification: Benign for Dilated cardiomyopathy 1G; Autosomal recessive limb-girdle muscular dystrophy type 2J. Last evaluated: 2026-02-01. Review status: criteria provided, single submitter. Criteria: Invitae Variant Classification Sherloc (09022015). Collection method: clinical testing. Allele origin: germline.

Mayo Clinic Laboratories, Mayo Clinic
Classification: Likely benign. Last evaluated: 2025-11-21. Review status: criteria provided, single submitter. Criteria: ACMG Guidelines, 2015. Collection method: clinical testing. Allele origin: germline. Observed: 5 variant alleles.
Comment: BS1, BP4, BP7

Molecular Diagnostic Laboratory for Inherited Cardiovascular Disease, Montreal Heart Institute
Classification: Benign. Last evaluated: 2025-04-09. Review status: criteria provided, single submitter. Criteria: ACMG Guidelines, 2015. Collection method: clinical testing. Allele origin: germline. Affected: no.

Women's Health and Genetics/Laboratory Corporation of America, LabCorp
Classification: Benign. Last evaluated: 2025-03-17. Review status: criteria provided, single submitter. Criteria: LabCorp Variant Classification Summary - May 2015. Collection method: clinical testing. Allele origin: germline.

Blueprint Genetics
Classification: Likely benign. Last evaluated: 2024-10-29. Review status: criteria provided, single submitter. Criteria: ACMG Guidelines, 2015. Collection method: clinical testing. Allele origin: germline.

Ambry Genetics
Classification: Likely benign for Cardiovascular phenotype. Last evaluated: 2018-08-26. Review status: criteria provided, single submitter. Criteria: Ambry Variant Classification Scheme 2023. Collection method: clinical testing. Allele origin: germline.

CHEO Genetics Diagnostic Laboratory, Children's Hospital of Eastern Ontario
Classification: Benign for Cardiomyopathy. Last evaluated: 2018-01-29. Review status: criteria provided, single submitter. Criteria: ACMG Guidelines, 2015. Collection method: clinical testing. Allele origin: germline.

Illumina Laboratory Services, Illumina
Classification: Benign for Myopathy, myofibrillar, 9, with early respiratory failure. Last evaluated: 2018-01-13. Review status: criteria provided, single submitter. Criteria: ICSL Variant Classification Criteria 13 December 2019. Collection method: clinical testing. Allele origin: germline.
Comment: This variant was observed in the ICSL laboratory as part of a predisposition screen in an ostensibly healthy population. It had not been previously curated by ICSL or reported in the Human Gene Mutation Database (HGMD: prior to June 1st, 2018), and was therefore a candidate for classification through an automated scoring system. Utilizing variant allele frequency, disease prevalence and penetrance estimates, and inheritance mode, an automated score was calculated to assess if this variant is too frequent to cause the disease. Based on the score and internal cut-off values, a variant classified as benign is not then subjected to further curation. The score for this variant resulted in a classification of benign for this disease.

Illumina Laboratory Services, Illumina
Classification: Uncertain significance for Dilated cardiomyopathy 1G. Last evaluated: 2018-01-13. Review status: criteria provided, single submitter. Criteria: ICSL Variant Classification Criteria 13 December 2019. Collection method: clinical testing. Allele origin: germline.

Illumina Laboratory Services, Illumina
Classification: Benign for Tibial muscular dystrophy. Last evaluated: 2018-01-13. Review status: criteria provided, single submitter. Criteria: ICSL Variant Classification Criteria 13 December 2019. Collection method: clinical testing. Allele origin: germline.
Comment: the same text as in the submission from Illumina Laboratory Services, Illumina above.

Illumina Laboratory Services, Illumina
Classification: Uncertain significance for Autosomal recessive limb-girdle muscular dystrophy type 2J. Last evaluated: 2018-01-13. Review status: criteria provided, single submitter. Criteria: ICSL Variant Classification Criteria 13 December 2019. Collection method: clinical testing. Allele origin: germline.

Illumina Laboratory Services, Illumina
Classification: Uncertain significance for Early-onset myopathy with fatal cardiomyopathy. Last evaluated: 2018-01-13. Review status: criteria provided, single submitter. Criteria: ICSL Variant Classification Criteria 13 December 2019. Collection method: clinical testing. Allele origin: germline.

Eurofins Ntd Llc (ga)
Classification: Likely benign. Last evaluated: 2017-04-19. Review status: criteria provided, single submitter. Criteria: EGL Classification Definitions 2015. Collection method: clinical testing. Allele origin: germline. Observed: 9 variant alleles, 9 heterozygotes.

GeneDx
Classification: Benign. Last evaluated: 2014-05-05. Review status: criteria provided, single submitter. Criteria: GeneDx Variant Classification (06012015). Collection method: clinical testing. Allele origin: germline. Affected: yes.
Comment: This variant is considered likely benign or benign based on one or more of the following criteria: it is a conservative change, it occurs at a poorly conserved position in the protein, it is predicted to be benign by multiple in silico algorithms, and/or has population frequency not consistent with disease.

Laboratory for Molecular Medicine, Mass General Brigham Personalized Medicine
Classification: Likely benign. Last evaluated: 2012-02-10. Review status: criteria provided, single submitter. Criteria: LMM Criteria. Collection method: clinical testing. Allele origin: germline. Observed: 1 variant allele.
Comment: Arg1941Arg in exon 28 of TTN: This variant is not expected to have clinical sign ificance because it does not alter an amino acid residue and is not located with in the splice consensus sequence. This variant has been identified in 0.1% (9/70 20) of European American chromosomes from a broad population by the NHLBI Exome Sequencing Project. Arg1941Arg in exon 28 of TTN (allele frequency = 0.1%, 9/7020) **

Clinical Genetics DNA and cytogenetics Diagnostics Lab, Erasmus MC, Erasmus Medical Center
Classification: Likely benign. Review status: no assertion criteria provided. Collection method: clinical testing. Allele origin: germline. Affected: yes. Study: VKGL Data-share Consensus. Not counted in ClinVar's aggregate classification.

Clinical Genetics, Academic Medical Center
Classification: Benign. Review status: no assertion criteria provided. Collection method: clinical testing. Allele origin: germline. Affected: yes. Study: VKGL Data-share Consensus. Not counted in ClinVar's aggregate classification.

Diagnostic Laboratory, Department of Genetics, University Medical Center Groningen
Classification: Likely benign. Review status: no assertion criteria provided. Collection method: clinical testing. Allele origin: germline. Affected: yes. Study: VKGL Data-share Consensus. Not counted in ClinVar's aggregate classification.

Genome Diagnostics Laboratory, University Medical Center Utrecht
Classification: Likely benign. Review status: no assertion criteria provided. Collection method: clinical testing. Allele origin: germline. Affected: yes. Study: VKGL Data-share Consensus. Not counted in ClinVar's aggregate classification.

Joint Genome Diagnostic Labs from Nijmegen and Maastricht, Radboudumc and MUMC+
Classification: Likely benign. Review status: no assertion criteria provided. Collection method: clinical testing. Allele origin: germline. Affected: yes. Study: VKGL Data-share Consensus. Not counted in ClinVar's aggregate classification.

Laboratory of Diagnostic Genome Analysis, Leiden University Medical Center (LUMC)
Classification: Likely benign. Review status: no assertion criteria provided. Collection method: clinical testing. Allele origin: germline. Affected: yes. Study: VKGL Data-share Consensus. Not counted in ClinVar's aggregate classification.

NM_001267550.2(TTN):c.5823A>G (p.Arg1941=)

Gene: TTN (titin; minus strand). Cytogenetic location: 2q31.2.
Variant type: single nucleotide variant.
Coding change: c.5823A>G on transcript NM_001267550.2 (MANE Select); coding-DNA position 5823, A replaced by G.
Protein change: p.Arg1941=; no amino-acid change (arginine 1941 retained).
Molecular consequence: synonymous variant.
Genome position (GRCh38, 1-based): chr2:178,776,041, T>C on the plus strand (A>G on the coding strand, the complement: TTN is on the minus strand). VCF-style: chr2-178776041-T-C. GRCh37 (hg19) VCF-style: chr2-179640768-T-C.
Other names: p.R1941R:AGA>AGG; p.Arg1941=; c.5823A>G, p.Arg1941= (NM_001256850.1, NM_133378.4, NM_133379.5); c.5685A>G, p.Arg1895= (NM_003319.4, NM_133432.3, NM_133437.4).
Identifiers: ClinVar variation 47231 (VCV000047231.71), dbSNP rs149668487, ClinGen allele CA283629.